The following is an entry in ClinVar:

NM_001197104.2(KMT2A):c.933G>A (p.Arg311=)

Gene: KMT2A (lysine methyltransferase 2A; plus strand). Cytogenetic location: 11q23.3.
Variant type: single nucleotide variant.
Coding change: c.933G>A on transcript NM_001197104.2 (MANE Select); coding-DNA position 933, G replaced by A.
Protein change: p.Arg311=; no amino-acid change (arginine 311 retained).
Molecular consequence: synonymous variant.
Genome position (GRCh38, 1-based): chr11:118,472,092, G>A. VCF-style: chr11-118472092-G-A. GRCh37 (hg19) VCF-style: chr11-118342807-G-A.
Other names: c.1032G>A, p.Arg344= (NM_001412597.1); c.933G>A, p.Arg311= (NM_005933.4).
Identifiers: ClinVar variation 2080478 (VCV002080478.6), dbSNP rs781900603, ClinGen allele CA6303355.
Genomic context (GRCh38, chr11:118,472,092, plus strand): 5'-AATAGGAAGGAAGGGGGTACAAATTGTACGACGGAGAGGAAGGCCTCCATCAACAGAAAG[G>A]ATAAAGACCCCTTCGGGTCTCCTCATTAATTCTGAACTGGAAAAGCCCCAGAAAGTCCGG-3'
Protein context (NP_001184033.1, residues 301-321): RRRGRPPSTE[Arg311=]IKTPSGLLIN

ClinVar aggregate classification (germline): Likely benign. Review status: criteria provided, multiple submitters, no conflicts (2 of 4 stars). 2 submissions from 2 submitters: Likely benign (2). Last evaluated 2026-04-01.

Allele frequency attached by ClinVar (database versions not stated): TOPMed below 0.00001; gnomAD 0.00001; gnomAD exomes 0.00001; ExAC 0.00002.
gnomAD v4.1: 7 of 1,613,792 alleles (0.00043%); highest among the groups gnomAD compares: Admixed American, 0.0067%; no homozygotes.

Submissions (2):

CeGaT Center for Human Genetics Tuebingen
Classification: Likely benign. Last evaluated: 2026-04-01. Review status: criteria provided, single submitter. Criteria: CeGaT Center For Human Genetics Tuebingen Variant Classification Criteria Version 2. Collection method: clinical testing. Allele origin: germline. Affected: yes. Observed: 1 variant allele.
Comment: KMT2A: BP4, BP7

Labcorp Genetics (formerly Invitae), Labcorp
Classification: Likely benign. Last evaluated: 2024-12-02. Review status: criteria provided, single submitter. Criteria: Invitae Variant Classification Sherloc (09022015). Collection method: clinical testing. Allele origin: germline.